The following is an entry in ClinVar:

ClinVar aggregate classification (germline): Benign/Likely benign. Review status: criteria provided, multiple submitters, no conflicts (2 of 4 stars). 3 submissions from 3 submitters: Benign (2); Likely benign (1). Last evaluated 2022-11-01.

Allele frequency attached by ClinVar (database versions not stated): ESP Exome Variant Server 0.00392; 1000 Genomes Project 0.00439; 1000 Genomes Project 30x 0.00453; TOPMed 0.00544; gnomAD 0.00666 and 0.00685.
gnomAD v4.1: 7,950 of 1,598,642 alleles (0.5%); highest among the groups gnomAD compares: Middle Eastern, 2.4%; 62 homozygotes.

Submissions (3):

CeGaT Center for Human Genetics Tuebingen
Classification: Likely benign. Last evaluated: 2022-11-01. Review status: criteria provided, single submitter. Criteria: CeGaT Center For Human Genetics Tuebingen Variant Classification Criteria Version 2. Collection method: clinical testing. Allele origin: germline. Affected: yes. Observed: 1 variant allele.
Comment: GALNTL5: BP4, BS2

Labcorp Genetics (formerly Invitae), Labcorp
Classification: Benign. Last evaluated: 2018-07-26. Review status: criteria provided, single submitter. Criteria: Invitae Variant Classification Sherloc (09022015). Collection method: clinical testing. Allele origin: germline.

Breakthrough Genomics
Classification: Benign. Review status: criteria provided, single submitter. Criteria: ACMG Guidelines, 2015. Collection method: not provided. Allele origin: germline. Inheritance: Unknown mechanism. Affected: yes.

NM_145292.4(GALNTL5):c.586G>A (p.Val196Ile)

Gene: GALNTL5 (polypeptide N-acetylgalactosaminyltransferase like 5; plus strand). Cytogenetic location: 7q36.1.
Variant type: single nucleotide variant.
Coding change: c.586G>A on transcript NM_145292.4 (MANE Select); coding-DNA position 586, G replaced by A.
Protein change: p.Val196Ile; replaces valine 196 with isoleucine.
Molecular consequence: missense variant. On other transcripts: non-coding transcript variant (1).
Genome position (GRCh38, 1-based): chr7:151,987,209, G>A. VCF-style: chr7-151987209-G-A. GRCh37 (hg19) VCF-style: chr7-151684294-G-A.
Other names: short protein forms V196I.
Identifiers: ClinVar variation 778940 (VCV000778940.28), dbSNP rs75797831, ClinGen allele CA4577461.